The following is an entry in ClinVar:

ClinVar aggregate classification (germline): Conflicting classifications of pathogenicity. Review status: criteria provided, conflicting classifications (1 of 4 stars). 2 submissions from 2 submitters: Uncertain significance (1); Likely benign (1). Last evaluated 2022-08-19.

Conditions:
Inborn genetic diseases. Identifiers: MedGen C0950123, MeSH D030342.
Congenital sensory neuropathy with selective loss of small myelinated fibers (HSAN5). Also called: HSAN Type V. Identifiers: Orphanet 64752, MedGen C0020075, MONDO:0012092, OMIM 608654.

Allele frequency attached by ClinVar (database versions not stated): gnomAD exomes 0.00003 and 0.00004; TOPMed 0.00003; ExAC 0.00004; gnomAD 0.00004.
gnomAD v4.1: 74 of 1,614,112 alleles (0.0046%); highest among the groups gnomAD compares: Non-Finnish European, 0.0057%; no homozygotes.

Submissions (2):

Labcorp Genetics (formerly Invitae), Labcorp
Classification: Uncertain significance for Congenital sensory neuropathy with selective loss of small myelinated fibers. Last evaluated: 2022-08-19. Review status: criteria provided, single submitter. Criteria: Invitae Variant Classification Sherloc (09022015). Collection method: clinical testing. Allele origin: germline.
Comment: This sequence change replaces alanine, which is neutral and non-polar, with valine, which is neutral and non-polar, at codon 57 of the NGF protein (p.Ala57Val). This variant is present in population databases (rs770647680, gnomAD 0.006%). This variant has not been reported in the literature in individuals affected with NGF-related conditions. ClinVar contains an entry for this variant (Variation ID: 456626). Algorithms developed to predict the effect of missense changes on protein structure and function output the following: SIFT: "Tolerated"; PolyPhen-2: "Benign"; Align-GVGD: "Class C0". The valine amino acid residue is found in multiple mammalian species, which suggests that this missense change does not adversely affect protein function. In summary, the available evidence is currently insufficient to determine the role of this variant in disease. Therefore, it has been classified as a Variant of Uncertain Significance.

Ambry Genetics
Classification: Likely benign for Inborn genetic diseases. Last evaluated: 2022-08-15. Review status: criteria provided, single submitter. Criteria: Ambry Variant Classification Scheme 2023. Collection method: clinical testing. Allele origin: germline.

NM_002506.3(NGF):c.170C>T (p.Ala57Val)

Genes: NGF (nerve growth factor; minus strand), NGF-AS1 (NGF antisense RNA 1; plus strand). Cytogenetic location: 1p13.2.
Variant type: single nucleotide variant.
Coding change: c.170C>T on transcript NM_002506.3 (MANE Select); coding-DNA position 170, C replaced by T.
Protein change: p.Ala57Val; replaces alanine 57 with valine.
Molecular consequence: missense variant.
Genome position (GRCh38, 1-based): chr1:115,286,626, G>A on the plus strand (C>T on the coding strand, the complement: NGF is on the minus strand). VCF-style: chr1-115286626-G-A. GRCh37 (hg19) VCF-style: chr1-115829247-G-A.
Other names: short protein forms A57V.
Identifiers: ClinVar variation 456626 (VCV000456626.5), dbSNP rs770647680, ClinGen allele CA1023048.